The following is an entry in ClinVar:

ClinVar aggregate classification (germline): Conflicting classifications of pathogenicity. Review status: criteria provided, conflicting classifications (1 of 4 stars). 6 submissions from 6 submitters: Uncertain significance (1); Benign (1); Likely benign (3). 1 of the submissions does not count toward it. Last evaluated 2026-01-28.

Conditions:
GOSR2-related disorder. Also called: GOSR2-related disorders; GOSR2-related condition.
Progressive myoclonic epilepsy. Also called: Familial progressive myoclonic epilepsy; Myoclonus epilepsy; Progressive myoclonus epilepsy; Myoclonic Epilepsies, Progressive. Identifiers: Orphanet 308, Orphanet 98261, MedGen C0751778, MONDO:0020074.
Progressive myoclonic epilepsy type 6. Identifiers: Orphanet 280620, MedGen C5190805, MONDO:0013526, OMIM 614018.

Allele frequency attached by ClinVar (database versions not stated): gnomAD 0.00011 and 0.00013; ExAC 0.00012; gnomAD exomes 0.00012; TOPMed 0.00012; ESP Exome Variant Server 0.00023.
gnomAD v4.1: 182 of 1,613,970 alleles (0.011%); highest among the groups gnomAD compares: Non-Finnish European, 0.015%; no homozygotes.

Submissions (6):

Labcorp Genetics (formerly Invitae), Labcorp
Classification: Likely benign for Progressive myoclonic epilepsy. Last evaluated: 2026-01-28. Review status: criteria provided, single submitter. Criteria: Invitae Variant Classification Sherloc (09022015). Collection method: clinical testing. Allele origin: germline.

Laboratory of Genetics, Children's Clinical University Hospital Latvia
Classification: Likely benign. Last evaluated: 2025-02-16. Review status: criteria provided, single submitter. Criteria: ACMG Guidelines, 2015. Collection method: clinical testing. Allele origin: germline. Affected: yes.

Blueprint Genetics
Classification: Likely benign. Last evaluated: 2024-10-30. Review status: criteria provided, single submitter. Criteria: ACMG Guidelines, 2015. Collection method: clinical testing. Allele origin: germline.

Illumina Laboratory Services, Illumina
Classification: Uncertain significance for Progressive myoclonic epilepsy type 6. Last evaluated: 2018-01-12. Review status: criteria provided, single submitter. Criteria: ICSL Variant Classification Criteria 13 December 2019. Collection method: clinical testing. Allele origin: germline.

GeneDx
Classification: Benign. Last evaluated: 2015-08-10. Review status: criteria provided, single submitter. Criteria: GeneDx Variant Classification (06012015). Collection method: clinical testing. Allele origin: germline. Affected: yes.
Comment: This variant is considered likely benign or benign based on one or more of the following criteria: it is a conservative change, it occurs at a poorly conserved position in the protein, it is predicted to be benign by multiple in silico algorithms, and/or has population frequency not consistent with disease.

PreventionGenetics, part of Exact Sciences
Classification: Likely benign for GOSR2-related condition. Last evaluated: 2023-08-16. Review status: no assertion criteria provided. Collection method: clinical testing. Allele origin: germline. Not counted in ClinVar's aggregate classification.
Comment: This variant is classified as likely benign based on ACMG/AMP sequence variant interpretation guidelines (Richards et al. 2015 PMID: 25741868, with internal and published modifications).

NM_004287.5(GOSR2):c.336+9G>A

Genes: LRRC37A2 (leucine rich repeat containing 37 member A2), GOSR2 (golgi SNAP receptor complex member 2; plus strand). Cytogenetic location: 17q21.32.
Variant type: single nucleotide variant.
Coding change: c.336+9G>A on transcript NM_004287.5 (MANE Select); 9 bases into the intron after coding-DNA position 336, G replaced by A.
Molecular consequence: intron variant.
Genome position (GRCh38, 1-based): chr17:46,932,208, G>A. VCF-style: chr17-46932208-G-A. GRCh37 (hg19) VCF-style: chr17-45009574-G-A.
Other names: c.336+9G>A (NM_001321133.2, NM_054022.4, NM_001330252.2 and 2 more transcripts); c.282+9G>A (NM_001363851.2, NM_001321134.2); c.333+9G>A (NM_001353114.2, NM_001353115.2, NM_001353116.2).
Identifiers: ClinVar variation 323823 (VCV000323823.19), dbSNP rs200210055, ClinGen allele CA8621233.